The following is an entry in ClinVar:

NM_001903.5(CTNNA1):c.655C>G (p.Pro219Ala)

Gene: CTNNA1 (catenin alpha 1; plus strand). Cytogenetic location: 5q31.2.
Variant type: single nucleotide variant.
Coding change: c.655C>G on transcript NM_001903.5 (MANE Select); coding-DNA position 655, C replaced by G.
Protein change: p.Pro219Ala; replaces proline 219 with alanine.
Molecular consequence: missense variant.
Genome position (GRCh38, 1-based): chr5:138,824,596, C>G. VCF-style: chr5-138824596-C-G. GRCh37 (hg19) VCF-style: chr5-138160285-C-G.
Other names: c.655C>G, p.Pro219Ala (NM_001290307.3, NM_001323982.2, NM_001323983.1 and 3 more transcripts); c.346C>G, p.Pro116Ala (NM_001290309.3); c.286C>G, p.Pro96Ala (NM_001290310.3); c.655C>G (NM_001903.2); short protein forms P116A, P219A, P96A.
Identifiers: ClinVar variation 1054827 (VCV001054827.10), dbSNP rs28363406, ClinGen allele CA361129605.
Genomic context (GRCh38, chr5:138,824,596, plus strand): 5'-AAAGATGTTGGCCATCGTGATCAGATGGCTGCAGCTAGAGGAATCCTGCAGAAGAACGTT[C>G]CGATCCTCTATACTGCATCCCAGGCATGCCTACAGCACCCTGATGTCGCAGCCTATAAGG-3'
Protein context (NP_001894.2, residues 209-229): AARGILQKNV[Pro219Ala]ILYTASQACL

ClinVar aggregate classification (germline): Uncertain significance. Review status: criteria provided, multiple submitters, no conflicts (2 of 4 stars). 2 submissions from 2 submitters: Uncertain significance (2). Last evaluated 2025-07-11.

Conditions:
Hereditary cancer-predisposing syndrome. Also called: Hereditary Cancer Syndrome; Tumor predisposition; Hereditary neoplastic syndrome; Neoplastic Syndromes, Hereditary. Identifiers: Orphanet 140162, MedGen C0027672, MeSH D009386, MONDO:0015356.

Submissions (2):

Ambry Genetics
Classification: Uncertain significance for Hereditary cancer-predisposing syndrome. Last evaluated: 2025-07-11. Review status: criteria provided, single submitter. Criteria: Ambry Variant Classification Scheme 2023. Collection method: clinical testing. Allele origin: germline.
Comment: The p.P219A variant (also known as c.655C>G), located in coding exon 5 of the CTNNA1 gene, results from a C to G substitution at nucleotide position 655. The proline at codon 219 is replaced by alanine, an amino acid with highly similar properties. This amino acid position is well conserved in available vertebrate species. In addition, this alteration is predicted to be tolerated by in silico analysis. Based on the available evidence, the clinical significance of this variant remains unclear.

Labcorp Genetics (formerly Invitae), Labcorp
Classification: Uncertain significance. Last evaluated: 2023-02-08. Review status: criteria provided, single submitter. Criteria: Invitae Variant Classification Sherloc (09022015). Collection method: clinical testing. Allele origin: germline.
Comment: This sequence change replaces proline, which is neutral and non-polar, with alanine, which is neutral and non-polar, at codon 219 of the CTNNA1 protein (p.Pro219Ala). This variant is not present in population databases (gnomAD no frequency). This variant has not been reported in the literature in individuals affected with CTNNA1-related conditions. ClinVar contains an entry for this variant (Variation ID: 1054827). Advanced modeling of protein sequence and biophysical properties (such as structural, functional, and spatial information, amino acid conservation, physicochemical variation, residue mobility, and thermodynamic stability) performed at Invitae indicates that this missense variant is not expected to disrupt CTNNA1 protein function. In summary, the available evidence is currently insufficient to determine the role of this variant in disease. Therefore, it has been classified as a Variant of Uncertain Significance.